The following is an entry in ClinVar:

ClinVar aggregate classification (germline): Pathogenic (1 of 4 stars; one submission).

Conditions:
Epilepsy, childhood absence, susceptibility to, 5. Identifiers: Orphanet 64280, MedGen C2677087, MONDO:0012843, OMIM 612269.
Epilepsy, childhood absence, susceptibility to, 1. Also called: Epilepsy, childhood absence 1. Identifiers: Orphanet 64280, MedGen C1838604, MONDO:0020759, OMIM 600131.

Submission:

Labcorp Genetics (formerly Invitae), Labcorp
Classification: Pathogenic for Epilepsy, childhood absence, susceptibility to, 5; Epilepsy, childhood absence, susceptibility to, 1. Last evaluated: 2022-06-07. Review status: criteria provided, single submitter. Criteria: Invitae Variant Classification Sherloc (09022015). Collection method: clinical testing. Allele origin: germline.
Comment: For these reasons, this variant has been classified as Pathogenic. This variant has not been reported in the literature in individuals affected with GABRB3-related conditions. This variant is not present in population databases (gnomAD no frequency). This sequence change creates a premature translational stop signal (p.Trp2*) in the GABRB3 gene. It is expected to result in an absent or disrupted protein product. Loss-of-function variants in GABRB3 are known to be pathogenic (PMID: 26950270, 28053010).

Literature cited by the submitters: PubMed 26950270; PubMed 28053010.

NM_000814.6(GABRB3):c.6G>A (p.Trp2Ter)

Gene: GABRB3 (gamma-aminobutyric acid type A receptor subunit beta3; minus strand). Cytogenetic location: 15q12.
Variant type: single nucleotide variant.
Coding change: c.6G>A on transcript NM_000814.6 (MANE Select); coding-DNA position 6, G replaced by A.
Protein change: p.Trp2Ter; replaces tryptophan 2 with a stop codon.
Molecular consequence: nonsense. On other transcripts: 5 prime UTR variant (1), intron variant (1).
Genome position (GRCh38, 1-based): chr15:26,772,957, C>T on the plus strand (G>A on the coding strand, the complement: GABRB3 is on the minus strand). VCF-style: chr15-26772957-C-T. GRCh37 (hg19) VCF-style: chr15-27018104-C-T.
Other names: c.-346G>A (NM_001278631.2); c.81-185G>A (NM_021912.5); short protein forms W2*.
Identifiers: ClinVar variation 2003106 (VCV002003106.4), dbSNP rs1891196840, ClinGen allele CA391465700.